The following is an entry in ClinVar:

ClinVar aggregate classification (germline): Uncertain significance (1 of 4 stars; one submission).

Submission:

Labcorp Genetics (formerly Invitae), Labcorp
Classification: Uncertain significance. Last evaluated: 2024-01-15. Review status: criteria provided, single submitter. Criteria: Invitae Variant Classification Sherloc (09022015). Collection method: clinical testing. Allele origin: germline.
Comment: This sequence change falls in intron 2 of the PSMB4 gene. It does not directly change the encoded amino acid sequence of the PSMB4 protein. It affects a nucleotide within the consensus splice site. This variant is not present in population databases (gnomAD no frequency). This variant has not been reported in the literature in individuals affected with PSMB4-related conditions. Variants that disrupt the consensus splice site are a relatively common cause of aberrant splicing (PMID: 17576681, 9536098). Algorithms developed to predict the effect of sequence changes on RNA splicing suggest that this variant may disrupt the consensus splice site. In summary, the available evidence is currently insufficient to determine the role of this variant in disease. Therefore, it has been classified as a Variant of Uncertain Significance.

Literature cited by the submitters: PubMed 17576681; PubMed 9536098.

NM_002796.3(PSMB4):c.347+4A>G

Gene: PSMB4 (proteasome 20S subunit beta 4; plus strand). Cytogenetic location: 1q21.3.
Variant type: single nucleotide variant.
Coding change: c.347+4A>G on transcript NM_002796.3 (MANE Select); 4 bases into the intron after coding-DNA position 347, A replaced by G.
Molecular consequence: intron variant.
Genome position (GRCh38, 1-based): chr1:151,400,191, A>G. VCF-style: chr1-151400191-A-G. GRCh37 (hg19) VCF-style: chr1-151372667-A-G.
Identifiers: ClinVar variation 2779641 (VCV002779641.3), dbSNP rs2529156774, ClinGen allele CA2739275285.